The following is an entry in ClinVar:

NM_005068.3(SIM1):c.2044A>G (p.Ile682Val)

Gene: SIM1 (SIM bHLH transcription factor 1; minus strand). Cytogenetic location: 6q16.3.
Variant type: single nucleotide variant.
Coding change: c.2044A>G on transcript NM_005068.3 (MANE Select); coding-DNA position 2044, A replaced by G.
Protein change: p.Ile682Val; replaces isoleucine 682 with valine.
Molecular consequence: missense variant.
Genome position (GRCh38, 1-based): chr6:100,390,618, T>C on the plus strand (A>G on the coding strand, the complement: SIM1 is on the minus strand). VCF-style: chr6-100390618-T-C. GRCh37 (hg19) VCF-style: chr6-100838494-T-C.
Other names: c.2044A>G, p.Ile682Val (NM_001374769.1); short protein forms I682V.
Identifiers: ClinVar variation 3051546 (VCV003051546.2), dbSNP rs756219222, ClinGen allele CA3936891.

ClinVar aggregate classification (germline): Uncertain significance (0 of 4 stars; one submission).

Conditions:
SIM1-related disorder. Also called: SIM1-related disorders; SIM1-related condition.

Allele frequency attached by ClinVar (database versions not stated): TOPMed below 0.00001; gnomAD 0.00001; ExAC 0.00007.
gnomAD v4.1: 20 of 1,614,102 alleles (0.0012%); highest among the groups gnomAD compares: Admixed American, 0.013%; no homozygotes.

Submission:

PreventionGenetics, part of Exact Sciences
Classification: Uncertain significance for SIM1-related condition. Last evaluated: 2023-12-18. Review status: no assertion criteria provided. Collection method: clinical testing. Allele origin: germline.
Comment: The SIM1 c.2044A>G variant is predicted to result in the amino acid substitution p.Ile682Val. To our knowledge, this variant has not been reported in the literature. This variant is reported in 0.023% of alleles in individuals of South Asian descent in gnomAD. At this time, the clinical significance of this variant is uncertain due to the absence of conclusive functional and genetic evidence.